The following is an entry in ClinVar:

ClinVar aggregate classification (germline): Uncertain significance (1 of 4 stars; one submission).

Conditions:
TP63-Related Spectrum Disorders.

gnomAD v4.1: 2 of 1,614,144 alleles (0.00012%); no homozygotes.

Submission:

Labcorp Genetics (formerly Invitae), Labcorp
Classification: Uncertain significance. Last evaluated: 2022-12-08. Review status: criteria provided, single submitter. Criteria: Invitae Variant Classification Sherloc (09022015). Collection method: clinical testing. Allele origin: germline.
Comment: Advanced modeling of protein sequence and biophysical properties (such as structural, functional, and spatial information, amino acid conservation, physicochemical variation, residue mobility, and thermodynamic stability) has been performed at Invitae for this missense variant, however the output from this modeling did not meet the statistical confidence thresholds required to predict the impact of this variant on TP63 protein function. In summary, the available evidence is currently insufficient to determine the role of this variant in disease. Therefore, it has been classified as a Variant of Uncertain Significance. This sequence change replaces histidine, which is basic and polar, with asparagine, which is neutral and polar, at codon 430 of the TP63 protein (p.His430Asn). This variant is not present in population databases (gnomAD no frequency). This variant has not been reported in the literature in individuals affected with TP63-related conditions.

NM_003722.5(TP63):c.1288C>A (p.His430Asn)

Gene: TP63 (tumor protein p63; plus strand). Cytogenetic location: 3q28.
Variant type: single nucleotide variant.
Coding change: c.1288C>A on transcript NM_003722.5 (MANE Select); coding-DNA position 1288, C replaced by A.
Protein change: p.His430Asn; replaces histidine 430 with asparagine.
Molecular consequence: missense variant.
Genome position (GRCh38, 1-based): chr3:189,872,934, C>A. VCF-style: chr3-189872934-C-A. GRCh37 (hg19) VCF-style: chr3-189590723-C-A.
Other names: c.1288C>A, p.His430Asn (NM_001114978.2, NM_001114979.2, NM_001329144.2); c.1006C>A, p.His336Asn (NM_001114980.2, NM_001114981.2, NM_001114982.2 and 1 more transcripts); c.751C>A, p.His251Asn (NM_001329146.2); c.1276C>A, p.His426Asn (NM_001329148.2); c.994C>A, p.His332Asn (NM_001329149.2); c.739C>A, p.His247Asn (NM_001329150.2); c.1282C>A, p.His428Asn (NM_001329964.2); short protein forms H251N, H332N, H426N, H428N, H336N, H430N, H247N.
Identifiers: ClinVar variation 2164379 (VCV002164379.3), dbSNP rs2474635297, ClinGen allele CA355755954.